The following is an entry in ClinVar:

NM_020778.5(ALPK3):c.183-5C>T

Gene: ALPK3 (alpha kinase 3; plus strand). Cytogenetic location: 15q25.3.
Variant type: single nucleotide variant.
Coding change: c.183-5C>T on transcript NM_020778.5 (MANE Select); 5 bases into the intron before coding-DNA position 183, C replaced by T.
Molecular consequence: intron variant.
Genome position (GRCh38, 1-based): chr15:84,827,479, C>T. VCF-style: chr15-84827479-C-T. GRCh37 (hg19) VCF-style: chr15-85370710-C-T.
Identifiers: ClinVar variation 513816 (VCV000513816.15), dbSNP rs758923137, ClinGen allele CA7708883.

ClinVar aggregate classification (germline): Conflicting classifications of pathogenicity. Review status: criteria provided, conflicting classifications (1 of 4 stars). 3 submissions from 3 submitters: Uncertain significance (1); Likely benign (2). Last evaluated 2026-02-04.

Conditions:
Cardiovascular phenotype. Identifiers: MedGen CN230736.

Allele frequency attached by ClinVar (database versions not stated): ExAC 0.00007; gnomAD exomes 0.00008 and 0.00014; TOPMed 0.00009; gnomAD 0.00010 and 0.00011.
gnomAD v4.1: 220 of 1,613,978 alleles (0.014%); highest among the groups gnomAD compares: Non-Finnish European, 0.018%; no homozygotes.

Submissions (3):

Labcorp Genetics (formerly Invitae), Labcorp
Classification: Likely benign. Last evaluated: 2026-02-04. Review status: criteria provided, single submitter. Criteria: Invitae Variant Classification Sherloc (09022015). Collection method: clinical testing. Allele origin: germline.

Ambry Genetics
Classification: Uncertain significance for Cardiovascular phenotype. Last evaluated: 2024-12-04. Review status: criteria provided, single submitter. Criteria: Ambry Variant Classification Scheme 2023. Collection method: clinical testing. Allele origin: germline.
Comment: The c.789-5C>T intronic variant results from a C to T substitution 5 nucleotides upstream from coding exon 3 in the ALPK3 gene. This nucleotide position is not well conserved in available vertebrate species. In silico splice site analysis predicts that this alteration will not have any significant effect on splicing. Based on the available evidence, the clinical significance of this variant remains unclear.

GeneDx
Classification: Likely benign. Last evaluated: 2020-02-21. Review status: criteria provided, single submitter. Criteria: GeneDx Variant Classification Process June 2021. Collection method: clinical testing. Allele origin: germline. Affected: yes.